The following is an entry in ClinVar:

ClinVar aggregate classification (germline): Uncertain significance (1 of 4 stars; one submission).

Submission:

Ambry Genetics
Classification: Uncertain significance. Last evaluated: 2024-08-04. Review status: criteria provided, single submitter. Criteria: Ambry Variant Classification Scheme 2023. Collection method: clinical testing. Allele origin: germline.
Comment: The p.S246C variant (also known as c.737C>G), located in coding exon 5 of the POLQ gene, results from a C to G substitution at nucleotide position 737. The serine at codon 246 is replaced by cysteine, an amino acid with dissimilar properties. This amino acid position is conserved. In addition, this alteration is predicted to be tolerated by in silico analysis. Based on the available evidence, the clinical significance of this variant remains unclear.

NM_199420.4(POLQ):c.737C>G (p.Ser246Cys)

Gene: POLQ (DNA polymerase theta; minus strand). Cytogenetic location: 3q13.33.
Variant type: single nucleotide variant.
Coding change: c.737C>G on transcript NM_199420.4 (MANE Select); coding-DNA position 737, C replaced by G.
Protein change: p.Ser246Cys; replaces serine 246 with cysteine.
Molecular consequence: missense variant.
Genome position (GRCh38, 1-based): chr3:121,537,103, G>C on the plus strand (C>G on the coding strand, the complement: POLQ is on the minus strand). VCF-style: chr3-121537103-G-C. GRCh37 (hg19) VCF-style: chr3-121255950-G-C.
Other names: short protein forms S246C.
Identifiers: ClinVar variation 3422482 (VCV003422482.1).
Genomic context (GRCh38, chr3:121,537,103, plus strand): 5'-AGACACTTCCTCAACATTGTTTGAAATCTCAGGAACTCAGTTATTTCACGTACTTACCAA[G>C]ATGCTGATTTCCGAGTAATATAGCAAATCTTGGTCAGCAAAAGTTCCAGCAGATACCCTC-3'
Protein context (NP_955452.3, residues 236-256): KICYITRKSA[Ser246Cys]CQADLASSLS